The following is an entry in ClinVar:

ClinVar aggregate classification (germline): Likely benign (1 of 4 stars; one submission).

Allele frequency attached by ClinVar (database versions not stated): TOPMed 0.00002; gnomAD 0.00003; gnomAD exomes 0.00003.
gnomAD v4.1: 43 of 1,614,000 alleles (0.0027%); highest among the groups gnomAD compares: Non-Finnish European, 0.0034%; no homozygotes.

Submission:

GeneDx
Classification: Likely benign. Last evaluated: 2017-11-28. Review status: criteria provided, single submitter. Criteria: GeneDx Variant Classification (06012015). Collection method: clinical testing. Allele origin: germline. Affected: yes.
Comment: This variant is considered likely benign or benign based on one or more of the following criteria: it is a conservative change, it occurs at a poorly conserved position in the protein, it is predicted to be benign by multiple in silico algorithms, and/or has population frequency not consistent with disease.

NM_006416.5(SLC35A1):c.237A>G (p.Glu79=)

Gene: SLC35A1 (solute carrier family 35 member A1; plus strand). Cytogenetic location: 6q15.
Variant type: single nucleotide variant.
Coding change: c.237A>G on transcript NM_006416.5 (MANE Select); coding-DNA position 237, A replaced by G.
Protein change: p.Glu79=; no amino-acid change (glutamic acid 79 retained).
Molecular consequence: synonymous variant.
Genome position (GRCh38, 1-based): chr6:87,500,550, A>G. VCF-style: chr6-87500550-A-G. GRCh37 (hg19) VCF-style: chr6-88210268-A-G.
Other names: c.237A>G, p.Glu79= (NM_001168398.2).
Identifiers: ClinVar variation 513480 (VCV000513480.1), dbSNP rs1278525040, ClinGen allele CA451158299.